The following is an entry in ClinVar:

ClinVar aggregate classification (germline): Uncertain significance (1 of 4 stars; one submission).

Submission:

Labcorp Genetics (formerly Invitae), Labcorp
Classification: Uncertain significance. Last evaluated: 2025-10-06. Review status: criteria provided, single submitter. Criteria: Invitae Variant Classification Sherloc (09022015). Collection method: clinical testing. Allele origin: germline.
Comment: This sequence change replaces arginine, which is basic and polar, with cysteine, which is neutral and slightly polar, at codon 147 of the RELB protein (p.Arg147Cys). This variant is not present in population databases (gnomAD no frequency). This variant has not been reported in the literature in individuals affected with RELB-related conditions. An algorithm developed to predict the effect of missense changes on protein structure and function (PolyPhen-2) suggests that this variant is likely to be disruptive. In summary, the available evidence is currently insufficient to determine the role of this variant in disease. Therefore, it has been classified as a Variant of Uncertain Significance.

NM_006509.4(RELB):c.439C>T (p.Arg147Cys)

Gene: RELB (RELB proto-oncogene, NF-kB subunit; plus strand). Cytogenetic location: 19q13.32.
Variant type: single nucleotide variant.
Coding change: c.439C>T on transcript NM_006509.4 (MANE Select); coding-DNA position 439, C replaced by T.
Protein change: p.Arg147Cys; replaces arginine 147 with cysteine.
Molecular consequence: missense variant.
Genome position (GRCh38, 1-based): chr19:45,012,211, C>T. VCF-style: chr19-45012211-C-T. GRCh37 (hg19) VCF-style: chr19-45515469-C-T.
Other names: c.430C>T, p.Arg144Cys (NM_001411087.1); short protein forms R144C, R147C.
Identifiers: ClinVar variation 4728324 (VCV004728324.1).
Genomic context (GRCh38, chr19:45,012,211, plus strand): 5'-CTGGTCATCACGGAGCAGCCCAAGCAGCGCGGCATGCGCTTCCGCTACGAGTGCGAGGGC[C>T]GCTCGGCCGGCAGCATCCTTGGGGAGAGCAGCACCGAGGCCAGCAAGACGCTGCCCGCCA-3'
Protein context (NP_006500.2, residues 137-157): GMRFRYECEG[Arg147Cys]SAGSILGESS